The following is an entry in ClinVar:

ClinVar aggregate classification (germline): Conflicting classifications of pathogenicity. Review status: criteria provided, conflicting classifications (1 of 4 stars). 10 submissions from 10 submitters: Uncertain significance (5); Likely benign (3). 2 of the submissions do not count toward it. Last evaluated 2026-05-10.

Conditions:
BRCA2-related disorder. Also called: BRCA2-related condition; BRCA2-related disorders. Identifiers: MedGen CN239275.
Hereditary cancer-predisposing syndrome. Also called: Neoplastic Syndromes, Hereditary; Hereditary neoplastic syndrome; Hereditary Cancer Syndrome; Tumor predisposition. Identifiers: Orphanet 140162, MedGen C0027672, MeSH D009386, MONDO:0015356.
Hereditary breast ovarian cancer syndrome. Also called: Hereditary breast and/or ovarian cancer syndrome; Hereditary breast and ovarian cancer syndrome (HBOC); Breast and ovarian cancer; Hereditary breast and ovarian cancer syndrome; Hereditary breast and ovarian cancer; BRCA1- and BRCA2-Associated Hereditary Breast and Ovarian Cancer. Identifiers: Orphanet 145, MedGen C0677776, MeSH D061325, MONDO:0003582. Disease mechanism: loss of function.
Breast-ovarian cancer, familial, susceptibility to, 2 (BROVCA2). Also called: BRCA2 Hereditary Breast and Ovarian Cancer. Identifiers: Orphanet 145, MedGen C2675520, MONDO:0012933, OMIM 612555. Disease mechanism: loss of function.

Allele frequency attached by ClinVar (database versions not stated): gnomAD 0.00005; TOPMed 0.00006; ESP Exome Variant Server 0.00008.
gnomAD v4.1: 20 of 1,613,658 alleles (0.0012%); highest among the groups gnomAD compares: African/African-American, 0.025%; no homozygotes.

Submissions (10):

Women's Health and Genetics/Laboratory Corporation of America, LabCorp
Classification: Uncertain significance. Last evaluated: 2026-05-10. Review status: criteria provided, single submitter. Criteria: LabCorp Variant Classification Summary - May 2015. Collection method: clinical testing. Allele origin: germline.
Comment: Variant summary: BRCA2 c.5741G>C (p.Ser1914Thr) results in a conservative amino acid change in the encoded protein sequence. Algorithms developed to predict the effect of missense changes on protein structure and function all suggest that this variant is likely to be tolerated. The variant allele was found at a frequency of 2e-05 in 250926 control chromosomes. The available data on variant occurrences in the general population are insufficient to allow any conclusion about variant significance. c.5741G>C has been observed in a study for screening BRCA1 and BRCA2 variants on Hereditary Breast And Ovarian Cancer Syndrome without genotype and phenotype information (Caux-Moncoutier_2011). These report(s) do not provide unequivocal conclusions about association of the variant with Hereditary Breast And Ovarian Cancer Syndrome. To our knowledge, no experimental evidence demonstrating an impact on protein function has been reported. The following publication have been ascertained in the context of this evaluation (PMID: 21120943). ClinVar contains an entry for this variant (Variation ID: 51925). Based on the evidence outlined above, the variant was classified as VUS-possibly benign.

Labcorp Genetics (formerly Invitae), Labcorp
Classification: Uncertain significance for Hereditary breast ovarian cancer syndrome. Last evaluated: 2026-01-28. Review status: criteria provided, single submitter. Criteria: Invitae Variant Classification Sherloc (09022015). Collection method: clinical testing. Allele origin: germline.
Comment: This sequence change replaces serine, which is neutral and polar, with threonine, which is neutral and polar, at codon 1914 of the BRCA2 protein (p.Ser1914Thr). This variant is present in population databases (rs80358801, gnomAD 0.02%). This missense change has been observed in individual(s) with breast/ovarian cancer (PMID: 21120943). ClinVar contains an entry for this variant (Variation ID: 51925). Invitae Evidence Modeling of protein sequence and biophysical properties (such as structural, functional, and spatial information, amino acid conservation, physicochemical variation, residue mobility, and thermodynamic stability) indicates that this missense variant is not expected to disrupt BRCA2 protein function with a negative predictive value of 95%. In summary, the available evidence is currently insufficient to determine the role of this variant in disease. Therefore, it has been classified as a Variant of Uncertain Significance.

Quest Diagnostics Nichols Institute San Juan Capistrano
Classification: Uncertain significance. Last evaluated: 2025-01-20. Review status: criteria provided, single submitter. Criteria: Quest Diagnostics criteria. Collection method: clinical testing. Allele origin: unknown.
Comment: The BRCA2 c.5741G>C (p.Ser1914Thr) variant has been reported in the published literature in as a variant of uncertain significance in individuals with suspected hereditary breast and/or ovarian cancer syndrome (PMIDs: 21120943 (2011), 30630528 (2019), and 29884841 (2019)). Additionally, the variant has been reported in the published literature in a region of the BRCA2 gene that is tolerant to missense sequence changes (PMID: 31911673 (2020)). The frequency of this variant in the general population (Genome Aggregation Database) is uninformative in the assessment of its pathogenicity. Analysis of this variant using bioinformatics tools for the prediction of the effect of amino acid changes on protein structure and function yielded predictions that this variant is benign. Based on the available information, we are unable to determine the clinical significance of this variant.

GeneDx
Classification: Uncertain significance. Last evaluated: 2023-09-05. Review status: criteria provided, single submitter. Criteria: GeneDx Variant Classification Process June 2021. Collection method: clinical testing. Allele origin: germline. Affected: yes.
Comment: Observed in an individual with a personal and/or family history of breast and/or ovarian cancer (Caux-Moncoutier et al., 2011); In silico analysis supports that this missense variant does not alter protein structure/function; Not observed at significant frequency in large population cohorts (gnomAD); Also known as 5969G>C; This variant is associated with the following publications: (PMID: 25348012, 21120943, 32377563, 31911673, 29884841)

University of Washington Department of Laboratory Medicine, University of Washington
Classification: Likely benign for Hereditary cancer-predisposing syndrome. Last evaluated: 2023-03-23. Review status: criteria provided, single submitter. Criteria: Dines et al. (Genet Med. 2020). Collection method: curation. Allele origin: germline.
Comment: Missense variant in a coldspot region where missense variants are very unlikely to be pathogenic (PMID:31911673).

BRCA2 exon 11 coldspot. Reclassification based on statistical prior probability.

Ambry Genetics
Classification: Likely benign for Hereditary cancer-predisposing syndrome. Last evaluated: 2018-10-18. Review status: criteria provided, single submitter. Criteria: Ambry Variant Classification Scheme 2023. Collection method: clinical testing. Allele origin: germline.

ARUP Laboratories, Molecular Genetics and Genomics, ARUP Laboratories
Classification: Uncertain significance. Last evaluated: 2018-10-09. Review status: criteria provided, single submitter. Criteria: ARUP Molecular Germline Variant Investigation Process. Collection method: clinical testing. Allele origin: germline.
Comment: The BRCA2 c.5741G>C; p.Ser1914Thr variant (rs80358801), is reported in the literature in at least one individual affected with breast cancer (Caux-Moncoutier 2011). This variant is reported in ClinVar (Variation ID: 51925), and is found in the African population with an allele frequency of 0.02% (3/15,290 alleles) in the Genome Aggregation Database. The asparagine at codon 1835 is weakly conserved, and computational analyses (SIFT, PolyPhen-2) predict that this variant is tolerated. Due to limited information, the clinical significance of the p.Ser1914Thr variant is uncertain at this time. References: Caux-Moncoutier V et al. EMMA, a cost- and time-effective diagnostic method for simultaneous detection of point mutations and large-scale genomic rearrangements: application to BRCA1 and BRCA2 in 1,525 patients. Hum Mutat. 2011 Mar;32(3):325-34.

Color Diagnostics, LLC DBA Color Health
Classification: Likely benign for Hereditary cancer-predisposing syndrome. Last evaluated: 2017-02-09. Review status: criteria provided, single submitter. Criteria: ACMG Guidelines, 2015. Collection method: clinical testing. Allele origin: germline.

PreventionGenetics, part of Exact Sciences
Classification: Uncertain significance for BRCA2-related condition. Last evaluated: 2024-06-07. Review status: no assertion criteria provided. Collection method: clinical testing. Allele origin: germline. Not counted in ClinVar's aggregate classification.
Comment: The BRCA2 c.5741G>C variant is predicted to result in the amino acid substitution p.Ser1914Thr. This variant has been reported as uncertain significance in a cohort of individuals with a personal and/or family history of breast cancer (Table S2, Caux-Moncoutier et al. 2011. PubMed ID: 21120943). It has also been reported in an individual with breast cancer from the Breast Information Core (BIC) database (Accession ID: 8265, Szabo et al. 2000. PubMed ID: 10923033). This variant is reported in 5 of ~251,000 alleles in gnomAD and has conflicting interpretations of likely benign and uncertain significance in ClinVar. At this time, the clinical significance of this variant is uncertain due to the absence of conclusive functional and genetic evidence.

Breast Cancer Information Core (BIC) (BRCA2)
Classification: Uncertain significance for Breast-ovarian cancer, familial 2. Last evaluated: 2004-11-25. Review status: no assertion criteria provided. Collection method: clinical testing. Allele origin: germline, unknown. Affected: yes. Observed: 2 variant alleles. Not counted in ClinVar's aggregate classification.

Literature cited by the submitters: PubMed 21120943 (cited by 3 submitters); PubMed 31911673 (cited by Quest Diagnostics Nichols Institute San Juan Capistrano); PubMed 30630528 (cited by Quest Diagnostics Nichols Institute San Juan Capistrano); PubMed 29884841 (cited by Quest Diagnostics Nichols Institute San Juan Capistrano).

NM_000059.4(BRCA2):c.5741G>C (p.Ser1914Thr)

Gene: BRCA2 (BRCA2 DNA repair associated; plus strand). Cytogenetic location: 13q13.1.
Variant type: single nucleotide variant.
Coding change: c.5741G>C on transcript NM_000059.4 (MANE Select); coding-DNA position 5741, G replaced by C.
Protein change: p.Ser1914Thr; replaces serine 1914 with threonine.
Molecular consequence: missense variant.
Genome position (GRCh38, 1-based): chr13:32,340,096, G>C. VCF-style: chr13-32340096-G-C. GRCh37 (hg19) VCF-style: chr13-32914233-G-C.
Other names: short protein forms S1914T.
Identifiers: ClinVar variation 51925 (VCV000051925.40), dbSNP rs80358801, ClinGen allele CA023125.